The following is an entry in ClinVar:

ClinVar aggregate classification (germline): Conflicting classifications of pathogenicity. Review status: criteria provided, conflicting classifications (1 of 4 stars). 2 submissions from 2 submitters: Uncertain significance (1); Likely benign (1). Last evaluated 2022-10-17.

Allele frequency attached by ClinVar (database versions not stated): gnomAD 0.00018 and 0.00020; ExAC 0.00020; gnomAD exomes 0.00020 and 0.00022; TOPMed 0.00020; ESP Exome Variant Server 0.00031.
gnomAD v4.1: 322 of 1,592,310 alleles (0.02%); highest among the groups gnomAD compares: Admixed American, 0.035%; no homozygotes.

Submissions (2):

Labcorp Genetics (formerly Invitae), Labcorp
Classification: Uncertain significance. Last evaluated: 2022-10-17. Review status: criteria provided, single submitter. Criteria: Invitae Variant Classification Sherloc (09022015). Collection method: clinical testing. Allele origin: germline.
Comment: This sequence change falls in intron 2 of the NDUFA6 gene. It does not directly change the encoded amino acid sequence of the NDUFA6 protein. It affects a nucleotide within the consensus splice site. This variant is present in population databases (rs370102519, gnomAD 0.1%). This variant has not been reported in the literature in individuals affected with NDUFA6-related conditions. ClinVar contains an entry for this variant (Variation ID: 1678760). Variants that disrupt the consensus splice site are a relatively common cause of aberrant splicing (PMID: 17576681, 9536098). Algorithms developed to predict the effect of sequence changes on RNA splicing suggest that this variant is not likely to affect RNA splicing. In summary, the available evidence is currently insufficient to determine the role of this variant in disease. Therefore, it has been classified as a Variant of Uncertain Significance.

GeneDx
Classification: Likely benign. Last evaluated: 2019-01-03. Review status: criteria provided, single submitter. Criteria: GeneDx Variant Classification Process June 2021. Collection method: clinical testing. Allele origin: germline. Affected: yes.
Comment: See Variant Classification Assertion Criteria.

Literature cited by the submitters: PubMed 17576681 (cited by Labcorp Genetics (formerly Invitae), Labcorp); PubMed 9536098 (cited by Labcorp Genetics (formerly Invitae), Labcorp).

NM_002490.6(NDUFA6):c.255+5C>T

Gene: NDUFA6 (NADH:ubiquinone oxidoreductase subunit A6; minus strand). Cytogenetic location: 22q13.2.
Variant type: single nucleotide variant.
Coding change: c.255+5C>T on transcript NM_002490.6 (MANE Select); 5 bases into the intron after coding-DNA position 255, C replaced by T.
Molecular consequence: intron variant.
Genome position (GRCh38, 1-based): chr22:42,087,055, G>A on the plus strand (C>T on the coding strand, the complement: NDUFA6 is on the minus strand). VCF-style: chr22-42087055-G-A. GRCh37 (hg19) VCF-style: chr22-42483059-G-A.
Identifiers: ClinVar variation 1678760 (VCV001678760.4), dbSNP rs370102519, ClinGen allele CA10264364.
Genomic context (GRCh38, chr22:42,087,055, plus strand): 5'-GGAAAGACTAAGAAGTAGTGGACAAGTTGGCTGATCTTTTAAATTGGTCAGGGAGGGTCA[G>A]TTACCTTAATGACCAGAAGATCAACCACCCTGGGGTCTGTGACATGGGCATTCTTCATAA-3'